The following is an entry in ClinVar:

NM_001267550.2(TTN):c.103585_103599del (p.Glu34529_Glu34533del)

Genes: TTN (titin; minus strand), TTN-AS1 (TTN antisense RNA 1; plus strand). Cytogenetic location: 2q31.2.
Variant type: Deletion.
Coding change: c.103585_103599del on transcript NM_001267550.2 (MANE Select); coding-DNA positions 103585 to 103599, 15 bases deleted (GAAAAGAAGGAGGAG).
Protein change: p.Glu34529_Glu34533del.
Molecular consequence: inframe deletion.
Genome position (GRCh38, 1-based): chr2:178,533,016-178,533,030, CTCCTCCTTCTTTTC deleted on the plus strand (GAAAAGAAGGAGGAG on the coding strand, the reverse complement: TTN is on the minus strand). VCF-style (leftmost placement, unchanged base first): chr2-178533015-TCTCCTCCTTCTTTTC-T. GRCh37 (hg19) VCF-style: chr2-179397742-TCTCCTCCTTCTTTTC-T.
Other names: c.76390_76404del15 (NM_003319.4); c.103585_103599del15 (NM_001267550.2); c.98662_98676del, p.Glu32888_Glu32892del (NM_001256850.1); c.76390_76404del, p.Glu25464_Glu25468del (NM_003319.4); c.95881_95895del, p.Glu31961_Glu31965del (NM_133378.4); c.76765_76779del, p.Glu25589_Glu25593del (NM_133432.3); c.76966_76980del, p.Glu25656_Glu25660del (NM_133437.4); c.98662_98676delGAAAAGAAGGAGGAG (NM_001256850.1).
Identifiers: ClinVar variation 519190 (VCV000519190.16), dbSNP rs772286988, ClinGen allele CA1985578.

ClinVar aggregate classification (germline): Uncertain significance. Review status: criteria provided, multiple submitters, no conflicts (2 of 4 stars). 4 submissions from 4 submitters: Uncertain significance (4). Last evaluated 2026-03-22.

Conditions:
Dilated cardiomyopathy 1G (CMD1G). Identifiers: Orphanet 154, MedGen C1858763, MONDO:0011400, OMIM 604145.
TTN-related disorder. Also called: TTN-related condition; TTN-related disease; TTN-related disorders.
Cardiovascular phenotype. Identifiers: MedGen CN230736.

Allele frequency attached by ClinVar (database versions not stated): gnomAD exomes 0.00004 and 0.00001; ESP Exome Variant Server 0.00009; gnomAD 0.00012 and 0.00014; TOPMed 0.00020; ExAC 0.00004.

Submissions (4):

Clinical Genomics Laboratory, Washington University in St. Louis
Classification: Uncertain significance for Dilated cardiomyopathy 1G. Last evaluated: 2026-03-22. Review status: criteria provided, single submitter. Criteria: ACMG Guidelines, 2015. Collection method: clinical testing. Allele origin: germline.
Comment: A TTN c.103585_103599del (p.Glu34529_Glu34533del) variant was identified in a heterozygous state. This variant is an in-frame deletion of five amino acids and to our knowledge, has not been reported in the medical literature. This variant is present in the N2BA principle cardiac long isoform in the M-Band that contains a kinase that may participate in strain-sensitive signaling and affect gene expression and cardiac remodeling in DCM. It has been reported in the ClinVar database as a variant of uncertain significance by two submitters (ClinVar variation ID: 519190). The TTN c.103585_103599del (p.Glu34529_Glu34533del) variant occurs in 18/280,576 alleles in the general population (gnomAD v2.1.1). Due to limited information, and based on ACMG/AMP guidelines for variant interpretation (Richards S et al., PMID: 25741868), the clinical significance of this variant is uncertain at this time.

PreventionGenetics, part of Exact Sciences
Classification: Uncertain significance for TTN-related condition. Last evaluated: 2026-03-06. Review status: criteria provided, single submitter. Criteria: ACMG Guidelines, 2015. Collection method: clinical testing. Allele origin: germline.
Comment: The TTN c.103585_103599del15 variant is predicted to result in an in-frame deletion (p.Glu34529_Glu34533del). To our knowledge, this variant has not been reported in the literature. This variant is reported in 0.074% of alleles in individuals of African descent in gnomAD. Although we suspect that this variant may be benign, at this time, the clinical significance of this variant is uncertain due to the absence of conclusive functional and genetic evidence.

GeneDx
Classification: Uncertain significance. Last evaluated: 2025-03-26. Review status: criteria provided, single submitter. Criteria: GeneDx Variant Classification Process June 2021. Collection method: clinical testing. Allele origin: germline. Affected: yes.
Comment: Has not been previously published as pathogenic or benign to our knowledge; In-frame deletion of five amino acids in a non-repeat region; In silico analysis supports a deleterious effect on protein structure/function

Ambry Genetics
Classification: Uncertain significance for Cardiovascular phenotype. Last evaluated: 2025-02-13. Review status: criteria provided, single submitter. Criteria: Ambry Variant Classification Scheme 2023. Collection method: clinical testing. Allele origin: germline.
Comment: The c.76390_76404del15 variant (also known as p.E25464_E25468del) is located in coding exon 185 of the TTN gene. This variant results from an in-frame deletion of 15 nucleotides (GAAAAGAAGGAGGAG) at positions 76390 to 76404. This results in the in-frame deletion of 5 amino acids (EKKEE) between codons 25464 and 25468. These amino acid positions are well conserved in available vertebrate species. In addition, this alteration is predicted to be deleterious by in silico analysis (Choi Y et al. PLoS ONE. 2012; 7(10):e46688). Since supporting evidence is limited at this time, the clinical significance of this alteration remains unclear.